The following is an entry in ClinVar:

NC_000008.10:g.(?_100443745)_(100589881_?)del

Gene: VPS13B (vacuolar protein sorting 13 homolog B; plus strand). Cytogenetic location: 8q22.2.
Variant type: Deletion.
Identifiers: ClinVar variation 1076759 (VCV001076759.6).

ClinVar aggregate classification (germline): Pathogenic (1 of 4 stars; one submission).

Conditions:
Cohen syndrome (COH1). Also called: PEPPER SYNDROME; Cutis verticis gyrata, retinitis pigmentosa, and sensorineural deafness. Identifiers: Orphanet 193, MedGen C0265223, MONDO:0008999, OMIM 216550.

Submission:

Labcorp Genetics (formerly Invitae), Labcorp
Classification: Pathogenic for Cohen syndrome. Last evaluated: 2023-11-27. Review status: criteria provided, single submitter. Criteria: Invitae Variant Classification Sherloc (09022015). Collection method: clinical testing. Allele origin: germline.
Comment: This variant is a gross deletion of the genomic region encompassing exon(s) 22-33 of the VPS13B gene. This deletion is out-of-frame, and is expected to create a premature termination codon and result in an absent or disrupted protein product. Loss-of-function variants in VPS13B are known to be pathogenic (PMID: 15141358, 16648375, 20461111). This variant has not been reported in the literature in individuals affected with VPS13B-related conditions. For these reasons, this variant has been classified as Pathogenic.

Literature cited by the submitters: PubMed 15141358; PubMed 16648375; PubMed 20461111.